The following is an entry in ClinVar:

NM_002282.3(KRT83):c.67T>G (p.Cys23Gly)

Gene: KRT83 (keratin 83; minus strand). Cytogenetic location: 12q13.13.
Variant type: single nucleotide variant.
Coding change: c.67T>G on transcript NM_002282.3 (MANE Select); coding-DNA position 67, T replaced by G.
Protein change: p.Cys23Gly; replaces cysteine 23 with glycine.
Molecular consequence: missense variant.
Genome position (GRCh38, 1-based): chr12:52,321,269, A>C on the plus strand (T>G on the coding strand, the complement: KRT83 is on the minus strand). VCF-style: chr12-52321269-A-C. GRCh37 (hg19) VCF-style: chr12-52715053-A-C.
Other names: short protein forms C23G.
Identifiers: ClinVar variation 309546 (VCV000309546.10), dbSNP rs61485872, ClinGen allele CA6577844.

ClinVar aggregate classification (germline): Benign. Review status: criteria provided, multiple submitters, no conflicts (2 of 4 stars). 3 submissions from 3 submitters: Benign (3). Last evaluated 2025-11-30.

Conditions:
Monilethrix. Also called: Beaded hair. Identifiers: Orphanet 573, MedGen C0546966, MONDO:0008009, HP:0032470.

Allele frequency attached by ClinVar (database versions not stated): gnomAD exomes 0.00131 and 0.00308; ExAC 0.00380; ESP Exome Variant Server 0.01108; gnomAD 0.01274 and 0.01374; TOPMed 0.01407; 1000 Genomes Project 0.01538; 1000 Genomes Project 30x 0.01546.
gnomAD v4.1: 3,906 of 1,613,548 alleles (0.24%); highest among the groups gnomAD compares: African/African-American, 4.5%; 79 homozygotes.

Submissions (3):

Labcorp Genetics (formerly Invitae), Labcorp
Classification: Benign. Last evaluated: 2025-11-30. Review status: criteria provided, single submitter. Criteria: Invitae Variant Classification Sherloc (09022015). Collection method: clinical testing. Allele origin: germline.

Illumina Laboratory Services, Illumina
Classification: Benign for Monilethrix-1. Last evaluated: 2018-01-13. Review status: criteria provided, single submitter. Criteria: ICSL Variant Classification Criteria 13 December 2019. Collection method: clinical testing. Allele origin: germline.
Comment: This variant was observed in the ICSL laboratory as part of a predisposition screen in an ostensibly healthy population. It had not been previously curated by ICSL or reported in the Human Gene Mutation Database (HGMD: prior to June 1st, 2018), and was therefore a candidate for classification through an automated scoring system. Utilizing variant allele frequency, disease prevalence and penetrance estimates, and inheritance mode, an automated score was calculated to assess if this variant is too frequent to cause the disease. Based on the score and internal cut-off values, a variant classified as benign is not then subjected to further curation. The score for this variant resulted in a classification of benign for this disease.

Breakthrough Genomics
Classification: Benign. Review status: criteria provided, single submitter. Criteria: ACMG Guidelines, 2015. Collection method: not provided. Allele origin: germline. Inheritance: Autosomal recessive inheritance. Affected: yes.